The following is an entry in ClinVar:

NM_001127222.2(CACNA1A):c.3590_3593del (p.Lys1197fs)

Gene: CACNA1A (calcium voltage-gated channel subunit alpha1 A; minus strand). Cytogenetic location: 19p13.13.
Variant type: Deletion.
Coding change: c.3590_3593del on transcript NM_001127222.2 (MANE Select); coding-DNA positions 3590 to 3593, 4 bases deleted (AAGA; older notation c.3590_3593delAAGA).
Protein change: p.Lys1197fs; shifts the reading frame from lysine 1197.
Molecular consequence: frameshift variant.
Genome position (GRCh38, 1-based): chr19:13,285,167-13,285,170, TCTT deleted on the plus strand (AAGA on the coding strand, the reverse complement: CACNA1A is on the minus strand); deleting any 4 consecutive bases within chr19:13,285,167-13,285,171 gives the same sequence; the c. name uses the placement nearest the transcript's 3' end. VCF-style (leftmost placement, unchanged base first): chr19-13285166-CTCTT-C. GRCh37 (hg19) VCF-style: chr19-13395980-CTCTT-C.
Other names: c.3593_3596delAAGA (NM_001127221.1); c.3602_3605del, p.Lys1201fs (NM_000068.4, NM_023035.3); c.3593_3596del, p.Lys1198fs (NM_001127221.2, NM_001174080.2); short protein forms K1198fs, K1197fs, K1201fs.
Identifiers: ClinVar variation 969408 (VCV000969408.10), dbSNP rs2057373332, ClinGen allele CA1139666316.

ClinVar aggregate classification (germline): Pathogenic. Review status: criteria provided, multiple submitters, no conflicts (2 of 4 stars). 2 submissions from 2 submitters: Pathogenic (2). Last evaluated 2024-02-26.

Conditions:
Developmental and epileptic encephalopathy, 42 (DEE42A). Also called: Epileptic encephalopathy, early infantile, 42; DEVELOPMENTAL AND EPILEPTIC ENCEPHALOPATHY 42A; EPILEPTIC ENCEPHALOPATHY, EARLY INFANTILE, 42A. Identifiers: MedGen C4310716, MONDO:0014917, OMIM 617106.
Episodic ataxia type 2 (EA2). Also called: CEREBELLAR ATAXIA, PAROXYSMAL, ACETAZOLAMIDE-RESPONSIVE; CEREBELLOPATHY, HEREDITARY PAROXYSMAL; EPISODIC ATAXIA, NYSTAGMUS-ASSOCIATED; ACETAZOLAMIDE-RESPONSIVE HEREDITARY PAROXYSMAL CEREBELLAR ATAXIA; ATAXIA, EPISODIC, WITH NYSTAGMUS; ATAXIA, FAMILIAL PAROXYSMAL. Identifiers: Orphanet 97, MedGen C1720416, MONDO:0007163, OMIM 108500.
Inborn genetic diseases. Identifiers: MedGen C0950123, MeSH D030342.

Submissions (2):

Labcorp Genetics (formerly Invitae), Labcorp
Classification: Pathogenic for Developmental and epileptic encephalopathy, 42; Episodic ataxia type 2. Last evaluated: 2024-02-26. Review status: criteria provided, single submitter. Criteria: Invitae Variant Classification Sherloc (09022015). Collection method: clinical testing. Allele origin: germline.
Comment: This sequence change creates a premature translational stop signal (p.Lys1198Argfs*43) in the CACNA1A gene. It is expected to result in an absent or disrupted protein product. Loss-of-function variants in CACNA1A are known to be pathogenic (PMID: 10371528, 19486177, 25735478, 27250579). This variant is not present in population databases (gnomAD no frequency). This variant has not been reported in the literature in individuals affected with CACNA1A-related conditions. ClinVar contains an entry for this variant (Variation ID: 969408). For these reasons, this variant has been classified as Pathogenic.

Ambry Genetics
Classification: Pathogenic for Inborn genetic diseases. Last evaluated: 2017-09-06. Review status: criteria provided, single submitter. Criteria: Ambry Variant Classification Scheme 2023. Collection method: clinical testing. Allele origin: germline.
Comment: The c.3593_3596delAAGA pathogenic mutation, located in coding exon 21 of the CACNA1A gene, results from a deletion of 4 nucleotides at nucleotide positions 3593 to 3596, causing a translational frameshift with a predicted alternate stop codon (p.K1198Rfs*43). This alteration is expected to result in loss of function by premature protein truncation or nonsense-mediated mRNA decay. As such, this alteration is interpreted as a disease-causing mutation.

Literature cited by the submitters: PubMed 10371528 (cited by Labcorp Genetics (formerly Invitae), Labcorp); PubMed 19486177 (cited by Labcorp Genetics (formerly Invitae), Labcorp); PubMed 25735478 (cited by Labcorp Genetics (formerly Invitae), Labcorp); PubMed 27250579 (cited by Labcorp Genetics (formerly Invitae), Labcorp).